The following is an entry in ClinVar:

NM_004360.5(CDH1):c.2440-1G>T

Gene: CDH1 (cadherin 1; plus strand). Cytogenetic location: 16q22.1.
Variant type: single nucleotide variant.
Coding change: c.2440-1G>T on transcript NM_004360.5 (MANE Select); the canonical splice acceptor site of the intron before coding-DNA position 2440, G replaced by T.
Molecular consequence: splice acceptor variant.
Genome position (GRCh38, 1-based): chr16:68,833,289, G>T. VCF-style: chr16-68833289-G-T. GRCh37 (hg19) VCF-style: chr16-68867192-G-T.
Other names: c.892-1G>T (NM_001317185.2); c.475-1G>T (NM_001317186.2); c.2257-1G>T (NM_001317184.2).
Identifiers: ClinVar variation 650342 (VCV000650342.7), dbSNP rs1596976101, ClinGen allele CA396471933.

ClinVar aggregate classification (germline): Uncertain significance (1 of 4 stars; one submission).

Conditions:
Hereditary diffuse gastric adenocarcinoma (HDGC). Also called: DIFFUSE GASTRIC AND LOBULAR BREAST CANCER SYNDROME. Identifiers: Orphanet 26106, MedGen C1708349, MONDO:0007648, OMIM 137215.

Submission:

Labcorp Genetics (formerly Invitae), Labcorp
Classification: Uncertain significance for Hereditary diffuse gastric adenocarcinoma. Last evaluated: 2021-02-22. Review status: criteria provided, single submitter. Criteria: Invitae Variant Classification Sherloc (09022015). Collection method: clinical testing. Allele origin: germline.
Comment: In summary, the available evidence is currently insufficient to determine the role of this variant in disease. Therefore, it has been classified as a Variant of Uncertain Significance. Nucleotide substitutions within the consensus splice site are a relatively common cause of aberrant splicing (PMID: 17576681, 9536098). Algorithms developed to predict the effect of sequence changes on RNA splicing suggest that this variant may disrupt the consensus splice site, but this prediction has not been confirmed by published transcriptional studies. This variant has not been reported in the literature in individuals with CDH1-related conditions. This variant is not present in population databases (ExAC no frequency). This sequence change affects an acceptor splice site in the last intron (intron 15) of the CDH1 gene. While this is not anticipated to result in nonsense mediated decay, it likely alters RNA splicing and results in a disrupted protein product.

Literature cited by the submitters: PubMed 17576681; PubMed 9536098.